The following is an entry in ClinVar:

ClinVar aggregate classification (germline): Pathogenic/Likely pathogenic. Review status: criteria provided, multiple submitters, no conflicts (2 of 4 stars). 8 submissions from 8 submitters: Pathogenic (5); Likely pathogenic (1). 2 of the submissions do not count toward it. Last evaluated 2025-09-28.

Conditions:
Megalencephalic leukoencephalopathy with subcortical cysts. Also called: VAN DER KNAAP DISEASE. Identifiers: Orphanet 2478, MedGen C1858854, MONDO:0011391.
Megalencephalic leukoencephalopathy with subcortical cysts 1 (MLC1). Also called: LEUKOENCEPHALOPATHY WITH SWELLING AND CYSTS; VACUOLATING MEGALENCEPHALIC LEUKOENCEPHALOPATHY WITH SUBCORTICAL CYSTS. Identifiers: Orphanet 2478, MedGen C5779875, MONDO:0024555, OMIM 604004.

Allele frequency attached by ClinVar (database versions not stated): gnomAD 0.00001; gnomAD exomes 0.00002; ExAC 0.00003.
gnomAD v4.1: 37 of 1,605,264 alleles (0.0023%); highest among the groups gnomAD compares: East Asian, 0.032%; no homozygotes.

Submissions (8):

Labcorp Genetics (formerly Invitae), Labcorp
Classification: Pathogenic. Last evaluated: 2025-09-28. Review status: criteria provided, single submitter. Criteria: Invitae Variant Classification Sherloc (09022015). Collection method: clinical testing. Allele origin: germline.
Comment: This sequence change replaces serine, which is neutral and polar, with leucine, which is neutral and non-polar, at codon 93 of the MLC1 protein (p.Ser93Leu). The frequency data for this variant in the population databases is considered unreliable, as metrics indicate poor data quality at this position in the gnomAD database. This missense change has been observed in individual(s) with megalencephalic leukoencephalopathy with subcortical cysts (PMID: 12850517, 14615938, 25796299, 27081509, 27322623). In at least one individual the data is consistent with being in trans (on the opposite chromosome) from a pathogenic variant. It has also been observed to segregate with disease in related individuals. This variant is also known as c.393C>T. ClinVar contains an entry for this variant (Variation ID: 4714). Invitae Evidence Modeling of protein sequence and biophysical properties (such as structural, functional, and spatial information, amino acid conservation, physicochemical variation, residue mobility, and thermodynamic stability) indicates that this missense variant is not expected to disrupt MLC1 protein function with a negative predictive value of 80%. Experimental studies have shown that this missense change affects MLC1 function (PMID: 18757878, 22006981). For these reasons, this variant has been classified as Pathogenic.

Natera, Inc.
Classification: Pathogenic for Megalencephalic leukoencephalopathy with subcortical cysts. Last evaluated: 2025-08-14. Review status: criteria provided, single submitter. Criteria: Natera Variant Classification Schema (03/2026). Collection method: clinical testing. Allele origin: germline.
Comment: The c.278C>T variant in MLC1 is a missense variant predicted to cause substitution of serine to leucine at amino acid 93. This variant is rare in the general population with a frequency below the threshold expected for the associated phenotype(s). This variant has been observed in one or more individuals affected with the associated recessive disease, as either homozygous or compound heterozygous with a second variant (PMID: 27081509). Computational prediction algorithms indicate this variant is likely to affect gene or protein function. Given the available evidence, this variant is classified as Pathogenic.

Baylor Genetics
Classification: Pathogenic for Megalencephalic leukoencephalopathy with subcortical cysts 1. Last evaluated: 2024-03-27. Review status: criteria provided, single submitter. Criteria: ACMG Guidelines, 2015. Collection method: clinical testing. Allele origin: unknown.

Women's Health and Genetics/Laboratory Corporation of America, LabCorp
Classification: Pathogenic for Megalencephalic leukoencephalopathy with subcortical cysts. Last evaluated: 2023-02-24. Review status: criteria provided, single submitter. Criteria: LabCorp Variant Classification Summary - May 2015. Collection method: clinical testing. Allele origin: germline.
Comment: Variant summary: MLC1 c.278C>T (p.Ser93Leu) results in a non-conservative amino acid change in the encoded protein sequence. Four of four in-silico tools predict a damaging effect of the variant on protein function. The variant allele was found at a frequency of 1.7e-05 in 234558 control chromosomes. c.278C>T has been reported in the literature in multiple individuals affected with Megalencephalic Leukoencephalopathy With Subcortical Cysts 1 (e.g. Shimada_2014). These data indicate that the variant is very likely to be associated with disease. Experimental evidence demonstrated the variant affects protein function (Duarri_2008, Ridder_2014). Three clinical diagnostic laboratories have submitted clinical-significance assessments for this variant to ClinVar after 2014 and classified the variant as pathogenic/likely pathogenic. Based on the evidence outlined above, the variant was classified as pathogenic.

AiLife Diagnostics
Classification: Pathogenic. Last evaluated: 2021-07-22. Review status: criteria provided, single submitter. Criteria: ACMG Guidelines, 2015. Collection method: clinical testing. Allele origin: germline. Affected: yes. Observed: 1 variant allele.

Myriad Genetics, Inc.
Classification: Likely pathogenic for Megalencephalic leukoencephalopathy with subcortical cysts 1. Last evaluated: 2019-12-09. Review status: criteria provided, single submitter. Criteria: Myriad Women's Health Autosomal Recessive and X-Linked Classification Criteria (2019). Collection method: clinical testing. Allele origin: unknown.
Comment: NM_015166.3(MLC1):c.278C>T(S93L) is classified as likely pathogenic in the context of megalencephalic leukoencephalopathy with subcortical cysts. Sources cited for classification include the following: PMID 14615938, 11254442, 22006981 and 18757878. Classification of NM_015166.3(MLC1):c.278C>T(S93L) is based on the following criteria: This variant has been observed more frequently in patients with clinical diagnoses than in healthy populations and the incidence of disease is extremely low. Please note: this variant was assessed in the context of healthy population screening.

OMIM
Classification: Pathogenic for MEGALENCEPHALIC LEUKOENCEPHALOPATHY WITH SUBCORTICAL CYSTS 1. Last evaluated: 2003-01-01. Review status: no assertion criteria provided. Collection method: literature only. Allele origin: germline. Not counted in ClinVar's aggregate classification.

GeneReviews
No classification provided. Condition: Megalencephalic leukoencephalopathy with subcortical cysts 1. Review status: no classification provided. Collection method: literature only. Allele origin: germline. Not counted in ClinVar's aggregate classification.

Literature cited by the submitters: PubMed 12850517 (cited by Labcorp Genetics (formerly Invitae), Labcorp and AiLife Diagnostics); PubMed 14615938 (cited by 3 submitters); PubMed 25796299 (cited by Labcorp Genetics (formerly Invitae), Labcorp and AiLife Diagnostics); PubMed 27081509 (cited by 5 submitters); PubMed 27322623 (cited by Labcorp Genetics (formerly Invitae), Labcorp); PubMed 18757878 (cited by 4 submitters); PubMed 22006981 (cited by 4 submitters); PubMed 11254442 (cited by 4 submitters); PubMed 26392452 (cited by AiLife Diagnostics); PubMed 17077634 (cited by AiLife Diagnostics); PubMed 22382567 (cited by AiLife Diagnostics); PubMed 22975760 (cited by AiLife Diagnostics); PubMed 16504440 (cited by AiLife Diagnostics); NCBI Bookshelf NBK1535 (cited by GeneReviews); PubMed 16470554 (cited by GeneReviews).

NM_015166.4(MLC1):c.278C>T (p.Ser93Leu)

Gene: MLC1 (modulator of VRAC current 1; minus strand). Cytogenetic location: 22q13.33.
Variant type: single nucleotide variant.
Coding change: c.278C>T on transcript NM_015166.4 (MANE Select); coding-DNA position 278, C replaced by T.
Protein change: p.Ser93Leu; replaces serine 93 with leucine.
Molecular consequence: missense variant. On other transcripts: non-coding transcript variant (3), intron variant (2).
Genome position (GRCh38, 1-based): chr22:50,080,387, G>A on the plus strand (C>T on the coding strand, the complement: MLC1 is on the minus strand). VCF-style: chr22-50080387-G-A. GRCh37 (hg19) VCF-style: chr22-50518816-G-A.
Other names: c.278C>T, p.Ser93Leu (NM_001376472.1, NM_001376473.1, NM_001376474.1 and 7 more transcripts); c.188C>T, p.Ser63Leu (NM_001376480.1); c.41C>T, p.Ser14Leu (NM_001376484.1); c.267+2697C>T (NM_001376482.1, NM_001376483.1); short protein forms S93L, S14L, S63L.
Identifiers: ClinVar variation 4714 (VCV000004714.20), dbSNP rs80358245, ClinGen allele CA340283.
Genomic context (GRCh38, chr22:50,080,387, plus strand): 5'-CTGCAAGCTAGACTCACCACATTGGCGTTCCTCCTGGAGACGGTGAAGCTCACAATTGCC[G>A]AGGGGATGCACTGGAATGAAACCGGAATCCCATGAGCCTGCCGCTCACCTGAGCAACTGA-3'
Protein context (NP_055981.1, residues 83-103): LRCAAGSCIP[Ser93Leu]AIVSFTVSRR